The following is an entry in ClinVar:

ClinVar aggregate classification (germline): Uncertain significance (1 of 4 stars; one submission).

Conditions:
Arrhythmogenic right ventricular dysplasia 9 (ARVD9). Also called: Arrhythmogenic Right Ventricular Dysplasia/Cardiomyopathy 9; ARRHYTHMOGENIC RIGHT VENTRICULAR DYSPLASIA, FAMILIAL, 9. Identifiers: MedGen C1836906, MONDO:0012180, OMIM 609040.

Submission:

Labcorp Genetics (formerly Invitae), Labcorp
Classification: Uncertain significance for Arrhythmogenic right ventricular dysplasia 9. Last evaluated: 2023-11-07. Review status: criteria provided, single submitter. Criteria: Invitae Variant Classification Sherloc (09022015). Collection method: clinical testing. Allele origin: germline.
Comment: This sequence change replaces arginine, which is basic and polar, with glycine, which is neutral and non-polar, at codon 413 of the PKP2 protein (p.Arg413Gly). This variant is not present in population databases (gnomAD no frequency). This variant has not been reported in the literature in individuals affected with PKP2-related conditions. An algorithm developed to predict the effect of missense changes on protein structure and function (PolyPhen-2) suggests that this variant is likely to be disruptive. In summary, the available evidence is currently insufficient to determine the role of this variant in disease. Therefore, it has been classified as a Variant of Uncertain Significance.

NM_001005242.3(PKP2):c.1237C>G (p.Arg413Gly)

Gene: PKP2 (plakophilin 2; minus strand). Cytogenetic location: 12p11.21.
Variant type: single nucleotide variant.
Coding change: c.1237C>G on transcript NM_001005242.3 (MANE Select); coding-DNA position 1237, C replaced by G.
Protein change: p.Arg413Gly; replaces arginine 413 with glycine.
Molecular consequence: missense variant.
Genome position (GRCh38, 1-based): chr12:32,850,907, G>C on the plus strand (C>G on the coding strand, the complement: PKP2 is on the minus strand). VCF-style: chr12-32850907-G-C. GRCh37 (hg19) VCF-style: chr12-33003841-G-C.
Other names: c.1237C>G, p.Arg413Gly (NM_001407155.1, NM_001407156.1, NM_001407157.1 and 2 more transcripts); c.910C>G, p.Arg304Gly (NM_001407158.1, NM_001407159.1, NM_001407160.1 and 1 more transcripts); short protein forms R304G, R413G.
Identifiers: ClinVar variation 2694064 (VCV002694064.3), dbSNP rs372827156, ClinGen allele CA384370601.